The following is an entry in ClinVar:

ClinVar aggregate classification (germline): Conflicting classifications of pathogenicity. Review status: criteria provided, conflicting classifications (1 of 4 stars). 3 submissions from 3 submitters: Uncertain significance (2); Likely benign (1). Last evaluated 2023-05-16.

Conditions:
Hereditary breast ovarian cancer syndrome. Also called: Hereditary breast and ovarian cancer; BRCA1- and BRCA2-Associated Hereditary Breast and Ovarian Cancer; Hereditary breast and ovarian cancer syndrome (HBOC); Hereditary breast and ovarian cancer syndrome; Breast and ovarian cancer; Hereditary breast and/or ovarian cancer syndrome. Identifiers: Orphanet 145, MedGen C0677776, MeSH D061325, MONDO:0003582. Disease mechanism: loss of function.
Hereditary cancer-predisposing syndrome. Also called: Hereditary Cancer Syndrome; Hereditary neoplastic syndrome; Neoplastic Syndromes, Hereditary; Tumor predisposition. Identifiers: Orphanet 140162, MedGen C0027672, MeSH D009386, MONDO:0015356.

Submissions (3):

Labcorp Genetics (formerly Invitae), Labcorp
Classification: Uncertain significance for Hereditary breast ovarian cancer syndrome. Last evaluated: 2023-05-16. Review status: criteria provided, single submitter. Criteria: Invitae Variant Classification Sherloc (09022015). Collection method: clinical testing. Allele origin: germline.
Comment: In summary, the available evidence is currently insufficient to determine the role of this variant in disease. Therefore, it has been classified as a Variant of Uncertain Significance. Advanced modeling of protein sequence and biophysical properties (such as structural, functional, and spatial information, amino acid conservation, physicochemical variation, residue mobility, and thermodynamic stability) performed at Invitae indicates that this missense variant is not expected to disrupt BRCA2 protein function. ClinVar contains an entry for this variant (Variation ID: 1748434). This variant has not been reported in the literature in individuals affected with BRCA2-related conditions. This variant is not present in population databases (gnomAD no frequency). This sequence change replaces lysine, which is basic and polar, with asparagine, which is neutral and polar, at codon 1861 of the BRCA2 protein (p.Lys1861Asn).

University of Washington Department of Laboratory Medicine, University of Washington
Classification: Likely benign for Hereditary cancer-predisposing syndrome. Last evaluated: 2023-03-23. Review status: criteria provided, single submitter. Criteria: Dines et al. (Genet Med. 2020). Collection method: curation. Allele origin: germline.
Comment: Missense variant in a coldspot region where missense variants are very unlikely to be pathogenic (PMID:31911673).

BRCA2 exon 11 coldspot. Reclassification based on statistical prior probability.

Ambry Genetics
Classification: Uncertain significance for Hereditary cancer-predisposing syndrome. Last evaluated: 2022-02-02. Review status: criteria provided, single submitter. Criteria: Ambry Variant Classification Scheme 2023. Collection method: clinical testing. Allele origin: germline.
Comment: The p.K1861N variant (also known as c.5583A>T), located in coding exon 10 of the BRCA2 gene, results from an A to T substitution at nucleotide position 5583. The lysine at codon 1861 is replaced by asparagine, an amino acid with similar properties. This amino acid position is not well conserved in available vertebrate species. In addition, the in silico prediction for this alteration is inconclusive. Since supporting evidence is limited at this time, the clinical significance of this alteration remains unclear.

NM_000059.4(BRCA2):c.5583A>T (p.Lys1861Asn)

Gene: BRCA2 (BRCA2 DNA repair associated; plus strand). Cytogenetic location: 13q13.1.
Variant type: single nucleotide variant.
Coding change: c.5583A>T on transcript NM_000059.4 (MANE Select); coding-DNA position 5583, A replaced by T.
Protein change: p.Lys1861Asn; replaces lysine 1861 with asparagine.
Molecular consequence: missense variant.
Genome position (GRCh38, 1-based): chr13:32,339,938, A>T. VCF-style: chr13-32339938-A-T. GRCh37 (hg19) VCF-style: chr13-32914075-A-T.
Other names: c.5583A>T, p.Lys1861Asn (NM_001406719.1, NM_001406720.1); short protein forms K1861N.
Identifiers: ClinVar variation 1748434 (VCV001748434.7), dbSNP rs749036329, ClinGen allele CA387786023.